The following is an entry in ClinVar:

ClinVar aggregate classification (germline): Uncertain significance (1 of 4 stars; one submission).

Conditions:
Dilated cardiomyopathy 1II (CMD1II). Identifiers: Orphanet 154, MedGen C3554649, MONDO:0014073, OMIM 615184.

Allele frequency attached by ClinVar (database versions not stated): gnomAD exomes below 0.00001.
gnomAD v4.1: 2 of 1,613,376 alleles (0.00012%); highest among the groups gnomAD compares: Non-Finnish European, 0.00017%; no homozygotes.

Submission:

Labcorp Genetics (formerly Invitae), Labcorp
Classification: Uncertain significance for Dilated cardiomyopathy 1II. Last evaluated: 2025-06-07. Review status: criteria provided, single submitter. Criteria: Invitae Variant Classification Sherloc (09022015). Collection method: clinical testing. Allele origin: germline.
Comment: This sequence change replaces leucine, which is neutral and non-polar, with proline, which is neutral and non-polar, at codon 44 of the CRYAB protein (p.Leu44Pro). This variant is not present in population databases (gnomAD no frequency). This variant has not been reported in the literature in individuals affected with CRYAB-related conditions. ClinVar contains an entry for this variant (Variation ID: 962746). An algorithm developed to predict the effect of missense changes on protein structure and function (PolyPhen-2) suggests that this variant is likely to be disruptive. In summary, the available evidence is currently insufficient to determine the role of this variant in disease. Therefore, it has been classified as a Variant of Uncertain Significance.

NM_001289808.2(CRYAB):c.131T>C (p.Leu44Pro)

Gene: CRYAB (crystallin alpha B; minus strand). Cytogenetic location: 11q23.1.
Variant type: single nucleotide variant.
Coding change: c.131T>C on transcript NM_001289808.2 (MANE Select); coding-DNA position 131, T replaced by C.
Protein change: p.Leu44Pro; replaces leucine 44 with proline.
Molecular consequence: missense variant.
Genome position (GRCh38, 1-based): chr11:111,911,594, A>G on the plus strand (T>C on the coding strand, the complement: CRYAB is on the minus strand). VCF-style: chr11-111911594-A-G. GRCh37 (hg19) VCF-style: chr11-111782318-A-G.
Other names: c.131T>C, p.Leu44Pro (NM_001289807.1, NM_001368245.1, NM_001885.3); short protein forms L44P.
Identifiers: ClinVar variation 962746 (VCV000962746.9), dbSNP rs1965457564, ClinGen allele CA382600507.
Genomic context (GRCh38, chr11:111,911,594, plus strand): 5'-CCAGTGTCAAACCAGCTGGGTGCCCGCAGGAAGGAGGGTGGCCGAAGGTAGAAGGGACTC[A>G]GGGAAGTAGACGTCGGGAAAAGATCAGACTCCAACAGGTGCTCTCCGAAGAACTGGTCAA-3'
Protein context (NP_001276737.1, residues 34-54): ESDLFPTSTS[Leu44Pro]SPFYLRPPSF